The following is an entry in ClinVar:

ClinVar aggregate classification (germline): Likely benign. Review status: criteria provided, multiple submitters, no conflicts (2 of 4 stars). 2 submissions from 2 submitters: Likely benign (2). Last evaluated 2026-01-21.

Conditions:
Glycogen storage disease IXb (GSD9B). Also called: PHOSPHORYLASE KINASE DEFICIENCY OF LIVER AND MUSCLE, AUTOSOMAL RECESSIVE; GLYCOGENOSIS OF LIVER AND MUSCLE, AUTOSOMAL RECESSIVE; GSD IXb. Identifiers: Orphanet 79240, MedGen C0543514, MONDO:0009868, OMIM 261750.

Allele frequency attached by ClinVar (database versions not stated): ExAC 0.00005; gnomAD exomes 0.00006 and 0.00009; TOPMed 0.00007; gnomAD 0.00008 and 0.00009.
gnomAD v4.1: 129 of 1,431,504 alleles (0.009%); highest among the groups gnomAD compares: Non-Finnish European, 0.012%; no homozygotes.

Submissions (2):

Labcorp Genetics (formerly Invitae), Labcorp
Classification: Likely benign for Glycogen storage disease IXb. Last evaluated: 2026-01-21. Review status: criteria provided, single submitter. Criteria: Invitae Variant Classification Sherloc (09022015). Collection method: clinical testing. Allele origin: germline.

GeneDx
Classification: Likely benign. Last evaluated: 2017-10-23. Review status: criteria provided, single submitter. Criteria: GeneDx Variant Classification (06012015). Collection method: clinical testing. Allele origin: germline. Affected: yes.
Comment: This variant is considered likely benign or benign based on one or more of the following criteria: it is a conservative change, it occurs at a poorly conserved position in the protein, it is predicted to be benign by multiple in silico algorithms, and/or has population frequency not consistent with disease.

NM_000293.3(PHKB):c.1798-20T>C

Gene: PHKB (phosphorylase kinase regulatory subunit beta; plus strand). Cytogenetic location: 16q12.1.
Variant type: single nucleotide variant.
Coding change: c.1798-20T>C on transcript NM_000293.3 (MANE Select); 20 bases into the intron before coding-DNA position 1798, T replaced by C.
Molecular consequence: intron variant.
Genome position (GRCh38, 1-based): chr16:47,650,524, T>C. VCF-style: chr16-47650524-T-C. GRCh37 (hg19) VCF-style: chr16-47684435-T-C.
Other names: c.1798-20T>C (NM_001363837.1); c.1777-20T>C (NM_001031835.3).
Identifiers: ClinVar variation 512549 (VCV000512549.8), dbSNP rs758115079, ClinGen allele CA8040976.
Genomic context (GRCh38, chr16:47,650,524, plus strand): 5'-GGCTCTTTGGCACTCATGGTTGAGCATCCTGTTCATCTTAGATACTGTGCCATTACATCC[T>C]ACCTCATTCTGTTTGACAGAATGCGCTGCAGTTCATTAAACAATATTGGAAAATGCATGG-3'